The following is an entry in ClinVar:

NM_025099.6(CTC1):c.122del (p.Leu41fs)

Gene: CTC1 (CST telomere replication complex component 1; minus strand). Cytogenetic location: 17p13.1.
Variant type: Deletion.
Coding change: c.122del on transcript NM_025099.6 (MANE Select); coding-DNA position 122, one base deleted (T; older notation c.122delT).
Protein change: p.Leu41fs; shifts the reading frame from leucine 41.
Molecular consequence: frameshift variant. On other transcripts: non-coding transcript variant (1).
Genome position (GRCh38, 1-based): chr17:8,243,060, A deleted on the plus strand (T on the coding strand, the reverse complement: CTC1 is on the minus strand); the first of 2 consecutive A bases (chr17:8,243,060-8,243,061); deleting either gives the same sequence. VCF-style (leftmost placement, unchanged base first): chr17-8243059-CA-C. GRCh37 (hg19) VCF-style: chr17-8146377-CA-C.
Other names: c.122del, p.Leu41fs (NM_001411067.1); short protein forms L41fs.
Identifiers: ClinVar variation 2705870 (VCV002705870.3), dbSNP rs2508006285, ClinGen allele CA2697559408.

ClinVar aggregate classification (germline): Pathogenic (1 of 4 stars; one submission).

Conditions:
Dyskeratosis congenita. Identifiers: Orphanet 1775, MedGen C0265965, MONDO:0015780.

Submission:

Labcorp Genetics (formerly Invitae), Labcorp
Classification: Pathogenic for Dyskeratosis congenita. Last evaluated: 2023-12-27. Review status: criteria provided, single submitter. Criteria: Invitae Variant Classification Sherloc (09022015). Collection method: clinical testing. Allele origin: germline.
Comment: This sequence change creates a premature translational stop signal (p.Leu41Trpfs*2) in the CTC1 gene. It is expected to result in an absent or disrupted protein product. Loss-of-function variants in CTC1 are known to be pathogenic (PMID: 22267198, 22387016). This variant is not present in population databases (gnomAD no frequency). This variant has not been reported in the literature in individuals affected with CTC1-related conditions. For these reasons, this variant has been classified as Pathogenic.

Literature cited by the submitters: PubMed 22267198; PubMed 22387016.